The following is an entry in ClinVar:

NM_019109.5(ALG1):c.164dup (p.Leu56fs)

Genes: ALG1 (ALG1 chitobiosyldiphosphodolichol beta-mannosyltransferase; plus strand), LOC130058384 (ATAC-STARR-seq lymphoblastoid active region 10349; plus strand). Cytogenetic location: 16p13.3.
Variant type: Duplication.
Coding change: c.164dup on transcript NM_019109.5 (MANE Select); coding-DNA position 164, one base duplicated (C; older notation c.164dupC).
Protein change: p.Leu56fs; shifts the reading frame from leucine 56.
Molecular consequence: frameshift variant.
Genome position (GRCh38, 1-based): chr16:5,072,013, C duplicated. VCF-style (leftmost placement, unchanged base first): chr16-5072012-T-TC. GRCh37 (hg19) VCF-style: chr16-5122013-T-TC.
Other names: short protein forms L56fs.
Identifiers: ClinVar variation 3006822 (VCV003006822.4), dbSNP rs2505845545, ClinGen allele CA2575903290.

ClinVar aggregate classification (germline): Pathogenic (1 of 4 stars; one submission).

Conditions:
ALG1-congenital disorder of glycosylation. Also called: CONGENITAL DISORDER OF GLYCOSYLATION, TYPE Ik; CDG Ik; ALG1-CDG. Identifiers: Orphanet 79327, MedGen C2931005, MONDO:0012052, OMIM 608540.

Submission:

Labcorp Genetics (formerly Invitae), Labcorp
Classification: Pathogenic for ALG1-congenital disorder of glycosylation. Last evaluated: 2023-08-01. Review status: criteria provided, single submitter. Criteria: Invitae Variant Classification Sherloc (09022015). Collection method: clinical testing. Allele origin: germline.
Comment: For these reasons, this variant has been classified as Pathogenic. This variant has not been reported in the literature in individuals affected with ALG1-related conditions. This variant is not present in population databases (gnomAD no frequency). This sequence change creates a premature translational stop signal (p.Leu56Valfs*20) in the ALG1 gene. It is expected to result in an absent or disrupted protein product. Loss-of-function variants in ALG1 are known to be pathogenic (PMID: 20679665, 23806237).

Literature cited by the submitters: PubMed 20679665; PubMed 23806237.